The following is an entry in ClinVar:

NM_019098.5(CNGB3):c.170C>A (p.Ser57Ter)

Gene: CNGB3 (cyclic nucleotide gated channel subunit beta 3; minus strand). Cytogenetic location: 8q21.3.
Variant type: single nucleotide variant.
Coding change: c.170C>A on transcript NM_019098.5 (MANE Select); coding-DNA position 170, C replaced by A.
Protein change: p.Ser57Ter; replaces serine 57 with a stop codon.
Molecular consequence: nonsense.
Genome position (GRCh38, 1-based): chr8:86,739,696, G>T on the plus strand (C>A on the coding strand, the complement: CNGB3 is on the minus strand). VCF-style: chr8-86739696-G-T. GRCh37 (hg19) VCF-style: chr8-87751924-G-T.
Other names: short protein forms S57*.
Identifiers: ClinVar variation 5013084 (VCV005013084.1).
Genomic context (GRCh38, chr8:86,739,696, plus strand): 5'-TTTCAGACTGCATTCTGACCTTGTATGTTGGTGTGTGGCTCTTCAGACGTGACTGGAGTT[G>T]ACTTGGTTTTGAGAGATTTCTCTTCACCTTTGTTTTCTTCCTTTGAGAAAAAACATAGAG-3'

ClinVar aggregate classification (germline): Pathogenic (1 of 4 stars; one submission).

Conditions:
Achromatopsia 3 (ACHM3). Also called: ACHROMATOPSIA WITH MYOPIA; PINGELAPESE BLINDNESS; TOTAL COLORBLINDNESS WITH MYOPIA; ROD MONOCHROMACY 1; ROD MONOCHROMATISM 1. Identifiers: Orphanet 49382, MedGen C1849792, MONDO:0009875, OMIM 262300.

Submission:

Myriad Genetics, Inc.
Classification: Pathogenic for Achromatopsia 3. Last evaluated: 2023-10-01. Review status: criteria provided, single submitter. Criteria: Myriad Autosomal Dominant, Autosomal Recessive and X-Linked Classification Criteria (2023). Collection method: clinical testing. Allele origin: unknown.
Comment: NM_019098.4(CNGB3):c.170C>A(S57*) is expected to be pathogenic in the context of achromatopsia, CNGB3-related. This variant is predicted to lead to an abnormal or absent protein product due to the creation of a premature termination codon in CNGB3, a gene where loss-of-function variants are known to be pathogenic. Please note: this variant was assessed in the context of healthy population screening.